The following is an entry in ClinVar:

ClinVar aggregate classification (germline): Uncertain significance (1 of 4 stars; one submission).

Submission:

Labcorp Genetics (formerly Invitae), Labcorp
Classification: Uncertain significance. Last evaluated: 2025-04-17. Review status: criteria provided, single submitter. Criteria: Invitae Variant Classification Sherloc (09022015). Collection method: clinical testing. Allele origin: germline.
Comment: This sequence change replaces proline, which is neutral and non-polar, with serine, which is neutral and polar, at codon 302 of the MARS2 protein (p.Pro302Ser). This variant is present in population databases (no rsID available, gnomAD 0.003%). This variant has not been reported in the literature in individuals affected with MARS2-related conditions. Invitae Evidence Modeling of protein sequence and biophysical properties (such as structural, functional, and spatial information, amino acid conservation, physicochemical variation, residue mobility, and thermodynamic stability) indicates that this missense variant is not expected to disrupt MARS2 protein function with a negative predictive value of 80%. In summary, the available evidence is currently insufficient to determine the role of this variant in disease. Therefore, it has been classified as a Variant of Uncertain Significance.

NM_138395.4(MARS2):c.904C>T (p.Pro302Ser)

Gene: MARS2 (methionyl-tRNA synthetase 2, mitochondrial; plus strand). Cytogenetic location: 2q33.1.
Variant type: single nucleotide variant.
Coding change: c.904C>T on transcript NM_138395.4 (MANE Select); coding-DNA position 904, C replaced by T.
Protein change: p.Pro302Ser; replaces proline 302 with serine.
Molecular consequence: missense variant.
Genome position (GRCh38, 1-based): chr2:197,706,309, C>T. VCF-style: chr2-197706309-C-T. GRCh37 (hg19) VCF-style: chr2-198571033-C-T.
Other names: short protein forms P302S.
Identifiers: ClinVar variation 4726688 (VCV004726688.1).